The following is an entry in ClinVar:

NM_004168.4(SDHA):c.619_620delinsCA (p.Arg207Gln)

Gene: SDHA (succinate dehydrogenase complex flavoprotein subunit A; plus strand). Cytogenetic location: 5p15.33.
Variant type: Indel.
Coding change: c.619_620delinsCA on transcript NM_004168.4 (MANE Select); coding-DNA positions 619 to 620, AG replaced by CA.
Protein change: p.Arg207Gln; replaces arginine 207 with glutamine.
Molecular consequence: missense variant.
Genome position (GRCh38, 1-based): chr5:226,045-226,046, AG replaced by CA. VCF-style: chr5-226045-AG-CA. GRCh37 (hg19) VCF-style: chr5-226160-AG-CA.
Other names: c.475_476delinsCA, p.Arg159Gln (NM_001294332.2); c.619_620delinsCA, p.Arg207Gln (NM_001330758.2); short protein forms R159Q, R207Q.
Identifiers: ClinVar variation 1382880 (VCV001382880.9), dbSNP rs2126550631, ClinGen allele CA2573138545.

ClinVar aggregate classification (germline): Uncertain significance. Review status: criteria provided, multiple submitters, no conflicts (2 of 4 stars). 2 submissions from 2 submitters: Uncertain significance (2). Last evaluated 2025-11-10.

Conditions:
Hereditary cancer-predisposing syndrome. Also called: Tumor predisposition; Hereditary Cancer Syndrome; Hereditary neoplastic syndrome; Neoplastic Syndromes, Hereditary. Identifiers: Orphanet 140162, MedGen C0027672, MeSH D009386, MONDO:0015356.
Mitochondrial complex II deficiency, nuclear type 1. Also called: SUCCINATE CoQ REDUCTASE DEFICIENCY. Identifiers: Orphanet 3208, MedGen C5700310, MONDO:0100294, OMIM 252011.
Pheochromocytoma/paraganglioma syndrome 5. Also called: Paragangliomas 5; SDHA-Related Hereditary Paraganglioma-Pheochromocytoma Syndrome. Identifiers: Orphanet 29072, MedGen C3279992, MONDO:0013602, OMIM 614165.

Submissions (2):

Labcorp Genetics (formerly Invitae), Labcorp
Classification: Uncertain significance for Pheochromocytoma/paraganglioma syndrome 5; Mitochondrial complex II deficiency, nuclear type 1. Last evaluated: 2025-11-10. Review status: criteria provided, single submitter. Criteria: Invitae Variant Classification Sherloc (09022015). Collection method: clinical testing. Allele origin: germline.
Comment: This sequence change replaces arginine, which is basic and polar, with glutamine, which is neutral and polar, at codon 207 of the SDHA protein (p.Arg207Gln). The frequency data for this variant in the population databases is considered unreliable, as metrics indicate poor data quality at this position in the gnomAD database. This variant has not been reported in the literature in individuals affected with SDHA-related conditions. ClinVar contains an entry for this variant (Variation ID: 1382880). An algorithm developed to predict the effect of missense changes on protein structure and function (PolyPhen-2) suggests that this variant is likely to be tolerated. RNA analysis performed to evaluate the impact of this missense change on mRNA splicing indicates it does not significantly alter splicing (internal data). In summary, the available evidence is currently insufficient to determine the role of this variant in disease. Therefore, it has been classified as a Variant of Uncertain Significance.

Ambry Genetics
Classification: Uncertain significance for Hereditary cancer-predisposing syndrome. Last evaluated: 2025-04-25. Review status: criteria provided, single submitter. Criteria: Ambry Variant Classification Scheme 2023. Collection method: clinical testing. Allele origin: germline.
Comment: The c.619_620delAGinsCA variant (also known as p.R207Q), located in coding exon 5 of the SDHA gene, results from an in-frame deletion of AG and insertion of CA at nucleotide positions 619 to 620. This results in the substitution of the arginine residue for a glutamine residue at codon 207, an amino acid with highly similar properties. This amino acid position is highly conserved in available vertebrate species. In addition, this alteration is predicted to be neutral by in silico analysis (Choi Y et al. PLoS ONE. 2012; 7(10):e46688). Since supporting evidence is limited at this time, the clinical significance of this alteration remains unclear.